The following is an entry in ClinVar:

NM_182931.3(KMT2E):c.2278A>G (p.Ile760Val)

Gene: KMT2E (lysine methyltransferase 2E (inactive); plus strand). Cytogenetic location: 7q22.3.
Variant type: single nucleotide variant.
Coding change: c.2278A>G on transcript NM_182931.3 (MANE Select); coding-DNA position 2278, A replaced by G.
Protein change: p.Ile760Val; replaces isoleucine 760 with valine.
Molecular consequence: missense variant.
Genome position (GRCh38, 1-based): chr7:105,105,520, A>G. VCF-style: chr7-105105520-A-G. GRCh37 (hg19) VCF-style: chr7-104745967-A-G.
Other names: c.2278A>G, p.Ile760Val (NM_001410908.1, NM_018682.4); short protein forms I760V.
Identifiers: ClinVar variation 2345057 (VCV002345057.7), dbSNP rs142333661, ClinGen allele CA4424186.

ClinVar aggregate classification (germline): Conflicting classifications of pathogenicity. Review status: criteria provided, conflicting classifications (1 of 4 stars). 4 submissions from 4 submitters: Uncertain significance (1); Benign (1); Likely benign (2). Last evaluated 2025-11-03.

Conditions:
KMT2E-related disorder. Also called: KMT2E-related condition.
Inborn genetic diseases. Identifiers: MedGen C0950123, MeSH D030342.

Allele frequency attached by ClinVar (database versions not stated): ESP Exome Variant Server 0.00008.
gnomAD v4.1: 153 of 1,613,892 alleles (0.0095%); highest among the groups gnomAD compares: Middle Eastern, 0.033%; no homozygotes.

Submissions (4):

Labcorp Genetics (formerly Invitae), Labcorp
Classification: Benign. Last evaluated: 2025-11-03. Review status: criteria provided, single submitter. Criteria: Invitae Variant Classification Sherloc (09022015). Collection method: clinical testing. Allele origin: germline.

PreventionGenetics, part of Exact Sciences
Classification: Likely benign for KMT2E-related condition. Last evaluated: 2025-04-24. Review status: criteria provided, single submitter. Criteria: ACMG Guidelines, 2015. Collection method: clinical testing. Allele origin: germline.
Comment: This variant is classified as likely benign based on ACMG/AMP sequence variant interpretation guidelines (Richards et al. 2015 PMID: 25741868, with internal and published modifications).

Blueprint Genetics
Classification: Likely benign. Last evaluated: 2024-10-11. Review status: criteria provided, single submitter. Criteria: ACMG Guidelines, 2015. Collection method: clinical testing. Allele origin: germline.

Ambry Genetics
Classification: Uncertain significance for Inborn genetic diseases. Last evaluated: 2021-12-03. Review status: criteria provided, single submitter. Criteria: Ambry Variant Classification Scheme 2023. Collection method: clinical testing. Allele origin: germline.